The following is an entry in ClinVar:

NM_000548.5(TSC2):c.1599+2T>G

Gene: TSC2 (TSC complex subunit 2; plus strand). Cytogenetic location: 16p13.3.
Variant type: single nucleotide variant.
Coding change: c.1599+2T>G on transcript NM_000548.5 (MANE Select); the canonical splice donor site of the intron after coding-DNA position 1599, T replaced by G.
Molecular consequence: splice donor variant.
Genome position (GRCh38, 1-based): chr16:2,064,429, T>G. VCF-style: chr16-2064429-T-G. GRCh37 (hg19) VCF-style: chr16-2114430-T-G.
Other names: c.255+2T>G (NM_001406693.1, NM_001406689.1, NM_001406690.1 and 6 more transcripts); c.1689+2T>G (NM_001406667.1, NM_001406668.1); c.999+2T>G (NM_001406680.1, NM_001406683.1, NM_001406687.1 and 6 more transcripts); c.-4+2T>G (NM_001406698.1); c.1599+2T>G (NM_001114382.3, NM_001406663.1, NM_001406664.1 and 6 more transcripts); c.1587+2T>G (NM_001406671.1, NM_001406673.1); c.1137+2T>G (NM_001406681.1); c.1488+2T>G (NM_001406670.1, NM_001318827.2, NM_001406678.1); and 3 more.
Identifiers: ClinVar variation 2741633 (VCV002741633.3), dbSNP rs45517183, ClinGen allele CA394326824.

ClinVar aggregate classification (germline): Pathogenic (1 of 4 stars; one submission).

Conditions:
Tuberous sclerosis 2 (TSC2). Identifiers: Orphanet 805, MedGen C1860707, MONDO:0013199, OMIM 613254.

Submission:

Labcorp Genetics (formerly Invitae), Labcorp
Classification: Pathogenic for Tuberous sclerosis 2. Last evaluated: 2023-11-28. Review status: criteria provided, single submitter. Criteria: Invitae Variant Classification Sherloc (09022015). Collection method: clinical testing. Allele origin: germline.
Comment: This sequence change affects a donor splice site in intron 15 of the TSC2 gene. It is expected to disrupt RNA splicing. Variants that disrupt the donor or acceptor splice site typically lead to a loss of protein function (PMID: 16199547), and loss-of-function variants in TSC2 are known to be pathogenic (PMID: 10205261, 17304050). This variant is not present in population databases (gnomAD no frequency). Disruption of this splice site has been observed in individual(s) with tuberous sclerosis complex (PMID: 16981987, 28771801, 35918040). Algorithms developed to predict the effect of sequence changes on RNA splicing suggest that this variant may disrupt the consensus splice site. For these reasons, this variant has been classified as Pathogenic.

Literature cited by the submitters: PubMed 16199547; PubMed 10205261; PubMed 17304050; PubMed 16981987; PubMed 28771801; PubMed 35918040.